The following is an entry in ClinVar:

NM_014874.4(MFN2):c.1078C>G (p.Gln360Glu)

Gene: MFN2 (mitofusin 2; plus strand). Cytogenetic location: 1p36.22.
Variant type: single nucleotide variant.
Coding change: c.1078C>G on transcript NM_014874.4 (MANE Select); coding-DNA position 1078, C replaced by G.
Protein change: p.Gln360Glu; replaces glutamine 360 with glutamic acid.
Molecular consequence: missense variant.
Genome position (GRCh38, 1-based): chr1:12,002,021, C>G. VCF-style: chr1-12002021-C-G. GRCh37 (hg19) VCF-style: chr1-12062078-C-G.
Other names: c.1078C>G, p.Gln360Glu (NM_001127660.2); short protein forms Q360E.
Identifiers: ClinVar variation 422500 (VCV000422500.11), dbSNP rs1064795818, ClinGen allele CA16616965.
Genomic context (GRCh38, chr1:12,002,021, plus strand): 5'-CCGTGCCTCTGTGTGTTCCAGGAGTGCATCTCCCAGTCTGCAGTGAAGACCAAGTTTGAG[C>G]AGCACACGGTCCGGGCCAAGCAGATTGCAGAGGCGGTTCGACTCATCATGGACTCCCTGC-3'
Protein context (NP_055689.1, residues 350-370): SQSAVKTKFE[Gln360Glu]HTVRAKQIAE

ClinVar aggregate classification (germline): Pathogenic/Likely pathogenic. Review status: criteria provided, multiple submitters, no conflicts (2 of 4 stars). 4 submissions from 4 submitters: Pathogenic (1); Likely pathogenic (2). 1 of the submissions does not count toward it. Last evaluated 2023-04-24.

Conditions:
Charcot-Marie-Tooth disease. Also called: Charcot-Marie-Tooth Neuropathy; Charcot-Marie-Tooth Hereditary Neuropathy. Identifiers: Orphanet 166, MedGen C0007959, MONDO:0015626.
MFN2-related disorder. Also called: MFN2-related disorders; MFN2-related condition.
Charcot-Marie-Tooth disease type 2. Also called: Charcot-Marie-Tooth type 2. Identifiers: Orphanet 64746, MedGen C0270914, MONDO:0018993.

Submissions (4):

Labcorp Genetics (formerly Invitae), Labcorp
Classification: Pathogenic for Charcot-Marie-Tooth disease type 2. Last evaluated: 2023-04-24. Review status: criteria provided, single submitter. Criteria: Invitae Variant Classification Sherloc (09022015). Collection method: clinical testing. Allele origin: germline.
Comment: For these reasons, this variant has been classified as Pathogenic. Advanced modeling of protein sequence and biophysical properties (such as structural, functional, and spatial information, amino acid conservation, physicochemical variation, residue mobility, and thermodynamic stability) performed at Invitae indicates that this missense variant is expected to disrupt MFN2 protein function. ClinVar contains an entry for this variant (Variation ID: 422500). This missense change has been observed in individual(s) with clinical features of Charcot-Marie-Tooth (PMID: 28660751; Invitae). In at least one individual the variant was observed to be de novo. This variant is not present in population databases (gnomAD no frequency). This sequence change replaces glutamine, which is neutral and polar, with glutamic acid, which is acidic and polar, at codon 360 of the MFN2 protein (p.Gln360Glu).

Blueprint Genetics
Classification: Likely pathogenic for MFN2-related disorders. Last evaluated: 2018-11-19. Review status: criteria provided, single submitter. Criteria: ACMG Guidelines, 2015. Collection method: clinical testing. Allele origin: germline. Affected: yes. Observed: 1 variant allele.

GeneDx
Classification: Likely pathogenic. Last evaluated: 2016-10-24. Review status: criteria provided, single submitter. Criteria: GeneDx Variant Classification (06012015). Collection method: clinical testing. Allele origin: germline. Affected: yes.
Comment: The Q360E variant in the MFN2 gene has not been reported previously as a pathogenic variant, nor as a benign variant, to our knowledge. The Q360E variant was not observed in approximately 6500 individuals of European and African American ancestry in the NHLBI Exome Sequencing Project, indicating it is not a common benign variant in these populations. The Q360E variant is a semi-conservative amino acid substitution, which may impact secondary protein structure as these residues differ in some properties. In addition, this substitution occurs at a position that is conserved across species. However, in silico analysis is inconsistent in its predictions as to whether or not the variant is damaging to the protein structure/function. Missense variants in nearby residues (T356A, T356S, K357N, H361Y, T362M, T362R, R364W, R364P, and R364Q) have been reported in the Human Gene Mutation Database in association with Charcot-Marie-Tooth disease or MFN2-related neuropathy (Stenson et al., 2014), supporting the functional importance of this region of the protein. Therefore, Q360E is a strong candidate for a pathogenic variant, however the possibility it may be a rare benign variant cannot be excluded.

Genesis Genome Database
Classification: Uncertain significance for Charcot-Marie-Tooth disease. Last evaluated: 2019-08-14. Review status: no assertion criteria provided. Collection method: research. Allele origin: germline. Affected: yes. Not counted in ClinVar's aggregate classification.

Literature cited by the submitters: PubMed 28660751 (cited by Labcorp Genetics (formerly Invitae), Labcorp).